The following is an entry in ClinVar:

NM_000435.3(NOTCH3):c.3057G>A (p.Gly1019=)

Gene: NOTCH3 (notch receptor 3; minus strand). Cytogenetic location: 19p13.12.
Variant type: single nucleotide variant.
Coding change: c.3057G>A on transcript NM_000435.3 (MANE Select); coding-DNA position 3057, G replaced by A.
Protein change: p.Gly1019=; no amino-acid change (glycine 1019 retained).
Molecular consequence: synonymous variant.
Genome position (GRCh38, 1-based): chr19:15,180,766, C>T on the plus strand (G>A on the coding strand, the complement: NOTCH3 is on the minus strand). VCF-style: chr19-15180766-C-T. GRCh37 (hg19) VCF-style: chr19-15291577-C-T.
Identifiers: ClinVar variation 1701356 (VCV001701356.36), dbSNP rs780520770, ClinGen allele CA506078031.
Genomic context (GRCh38, chr19:15,180,766, plus strand): 5'-GGGCAAGCTTCGGATGTCACAGAGGCGTCCGCTCCATCCAGGGGGACAAAGGCAATAGGC[C>T]CCAGTCTGGACGCAGCGACCCCCGTTTTGACAAGGCTGGCGGCTGCACCAATCCACCAGC-3'
Protein context (NP_000426.2, residues 1009-1029): CQNGGRCVQT[Gly1019=]AYCLCPPGWS

ClinVar aggregate classification (germline): Likely benign. Review status: criteria provided, multiple submitters, no conflicts (2 of 4 stars). 2 submissions from 2 submitters: Likely benign (2). Last evaluated 2025-12-19.

Allele frequency attached by ClinVar (database versions not stated): gnomAD 0.00001.
gnomAD v4.1: 10 of 1,603,074 alleles (0.00062%); highest among the groups gnomAD compares: African/African-American, 0.0013%; no homozygotes.

Submissions (2):

Labcorp Genetics (formerly Invitae), Labcorp
Classification: Likely benign. Last evaluated: 2025-12-19. Review status: criteria provided, single submitter. Criteria: Invitae Variant Classification Sherloc (09022015). Collection method: clinical testing. Allele origin: germline.

CeGaT Center for Human Genetics Tuebingen
Classification: Likely benign. Last evaluated: 2022-07-01. Review status: criteria provided, single submitter. Criteria: CeGaT Center For Human Genetics Tuebingen Variant Classification Criteria Version 2. Collection method: clinical testing. Allele origin: germline. Affected: yes. Observed: 1 variant allele.
Comment: NOTCH3: BP4, BP7